The following is an entry in ClinVar:

NM_004999.4(MYO6):c.189T>G (p.Cys63Trp)

Gene: MYO6 (myosin VI; plus strand). Cytogenetic location: 6q14.1.
Variant type: single nucleotide variant.
Coding change: c.189T>G on transcript NM_004999.4 (MANE Select); coding-DNA position 189, T replaced by G.
Protein change: p.Cys63Trp; replaces cysteine 63 with tryptophan.
Molecular consequence: missense variant. On other transcripts: non-coding transcript variant (2).
Genome position (GRCh38, 1-based): chr6:75,828,541, T>G. VCF-style: chr6-75828541-T-G. GRCh37 (hg19) VCF-style: chr6-76538258-T-G.
Other names: c.189T>G, p.Cys63Trp (NM_001300899.2, NM_001368136.1, NM_001368137.1 and 5 more transcripts); short protein forms C63W.
Identifiers: ClinVar variation 908721 (VCV000908721.6), dbSNP rs768643110, ClinGen allele CA3896762.

ClinVar aggregate classification (germline): Conflicting classifications of pathogenicity. Review status: criteria provided, conflicting classifications (1 of 4 stars). 4 submissions from 3 submitters: Uncertain significance (3); Likely benign (1). Last evaluated 2024-09-06.

Conditions:
Autosomal recessive nonsyndromic hearing loss 37. Identifiers: Orphanet 90636, MedGen C1843028, MONDO:0011912, OMIM 607821.
Autosomal dominant nonsyndromic hearing loss 22. Also called: Autosomal dominant nonsyndromic deafness 22; DFNA 22. Identifiers: Orphanet 228012, MedGen C2931767, MONDO:0011660, OMIM 606346.
Inborn genetic diseases. Identifiers: MedGen C0950123, MeSH D030342.

Allele frequency attached by ClinVar (database versions not stated): gnomAD exomes 0.00001 and 0.00006; gnomAD 0.00002; TOPMed 0.00003; ExAC 0.00009.
gnomAD v4.1: 11 of 1,536,066 alleles (0.00072%); highest among the groups gnomAD compares: East Asian, 0.025%; no homozygotes.

Submissions (4):

GeneDx
Classification: Uncertain significance. Last evaluated: 2024-09-06. Review status: criteria provided, single submitter. Criteria: GeneDx Variant Classification Process June 2021. Collection method: clinical testing. Allele origin: germline. Affected: yes.
Comment: In silico analysis supports that this missense variant has a deleterious effect on protein structure/function; Has not been previously published as pathogenic or benign to our knowledge

Ambry Genetics
Classification: Uncertain significance for Inborn genetic diseases. Last evaluated: 2023-10-10. Review status: criteria provided, single submitter. Criteria: Ambry Variant Classification Scheme 2023. Collection method: clinical testing. Allele origin: germline.

Illumina Laboratory Services, Illumina
Classification: Uncertain significance for Autosomal recessive nonsyndromic hearing loss 37. Last evaluated: 2018-01-13. Review status: criteria provided, single submitter. Criteria: ICSL Variant Classification Criteria 13 December 2019. Collection method: clinical testing. Allele origin: germline.

Illumina Laboratory Services, Illumina
Classification: Likely benign for Autosomal dominant nonsyndromic hearing loss 22. Last evaluated: 2018-01-13. Review status: criteria provided, single submitter. Criteria: ICSL Variant Classification Criteria 13 December 2019. Collection method: clinical testing. Allele origin: germline.
Comment: This variant was observed in the ICSL laboratory as part of a predisposition screen in an ostensibly healthy population. It had not been previously curated by ICSL or reported in the Human Gene Mutation Database (HGMD: prior to June 1st, 2018), and was therefore a candidate for classification through an automated scoring system. Utilizing variant allele frequency, disease prevalence and penetrance estimates, and inheritance mode, an automated score was calculated to assess if this variant is too frequent to cause the disease. Based on the score and internal cut-off values, a variant classified as likely benign is not then subjected to further curation. The score for this variant resulted in a classification of likely benign for this disease.